The following is an entry in ClinVar:

ClinVar aggregate classification (germline): Uncertain significance (0 of 4 stars; one submission).

Conditions:
Prostate cancer. Also called: Malignant tumor of prostate. Identifiers: Orphanet 1331, MedGen C0376358, MONDO:0008315, HP:0012125.

Submission:

Science for Life laboratory,  Karolinska Institutet
Classification: Uncertain significance for Malignant tumor of prostate. Review status: no assertion criteria provided. Collection method: not provided. Allele origin: somatic.
Comment: TumorID:SWE-3
ClinVar note: Converted during submission from Unknown to Uncertain significance.

NM_001377265.1(MAPT):c.100G>T (p.Asp34Tyr)

Gene: MAPT (microtubule associated protein tau). Cytogenetic location: 17q21.31.
Variant type: single nucleotide variant.
Coding change: c.100G>T on transcript NM_001377265.1 (MANE Select); coding-DNA position 100, G replaced by T.
Protein change: p.Asp34Tyr; replaces aspartic acid 34 with tyrosine.
Molecular consequence: missense variant. On other transcripts: non-coding transcript variant (1).
Genome position (GRCh38, 1-based): chr17:45,962,437, G>T. VCF-style: chr17-45962437-G-T. GRCh37 (hg19) VCF-style: chr17-44039803-G-T.
Other names: c.100G>T, p.Asp34Tyr (NM_001123066.4, NM_016841.5, NM_001123067.4 and 8 more transcripts); short protein forms D34Y.
Identifiers: ClinVar variation 161703 (VCV000161703.2), dbSNP rs193920968, ClinGen allele CA174627.